The following is an entry in ClinVar:

ClinVar aggregate classification (germline): Uncertain significance (1 of 4 stars; one submission).

Conditions:
Hereditary cancer-predisposing syndrome. Also called: Neoplastic Syndromes, Hereditary; Tumor predisposition; Hereditary Cancer Syndrome; Hereditary neoplastic syndrome. Identifiers: Orphanet 140162, MedGen C0027672, MeSH D009386, MONDO:0015356.

gnomAD v4.1: 1 of 1,614,134 alleles (0.000062%); highest among the groups gnomAD compares: Non-Finnish European, 0.000085%; no homozygotes.

Submission:

Ambry Genetics
Classification: Uncertain significance for Hereditary cancer-predisposing syndrome. Last evaluated: 2026-03-19. Review status: criteria provided, single submitter. Criteria: Ambry Variant Classification Scheme 2023. Collection method: clinical testing. Allele origin: germline.
Comment: The p.C944R variant (also known as c.2830T>C), located in coding exon 14 of the BLM gene, results from a T to C substitution at nucleotide position 2830. The cysteine at codon 944 is replaced by arginine, an amino acid with highly dissimilar properties. This amino acid position is conserved. In addition, this alteration is predicted to be deleterious by in silico analysis. Based on the available evidence, the clinical significance of this variant remains unclear.

NM_000057.4(BLM):c.2830T>C (p.Cys944Arg)

Gene: BLM (BLM RecQ like helicase; plus strand). Cytogenetic location: 15q26.1.
Variant type: single nucleotide variant.
Coding change: c.2830T>C on transcript NM_000057.4 (MANE Select); coding-DNA position 2830, T replaced by C.
Protein change: p.Cys944Arg; replaces cysteine 944 with arginine.
Molecular consequence: missense variant.
Genome position (GRCh38, 1-based): chr15:90,790,655, T>C. VCF-style: chr15-90790655-T-C. GRCh37 (hg19) VCF-style: chr15-91333885-T-C.
Other names: c.2830T>C, p.Cys944Arg (NM_001287246.2, NM_001287247.2); c.1705T>C, p.Cys569Arg (NM_001287248.2); short protein forms C569R, C944R.
Identifiers: ClinVar variation 4867471 (VCV004867471.1).